The following is an entry in ClinVar:

NM_019066.5(MAGEL2):c.277C>A (p.Pro93Thr)

Gene: MAGEL2 (MAGE family member L2; minus strand). Cytogenetic location: 15q11.2.
Variant type: single nucleotide variant.
Coding change: c.277C>A on transcript NM_019066.5 (MANE Select); coding-DNA position 277, C replaced by A.
Protein change: p.Pro93Thr; replaces proline 93 with threonine.
Molecular consequence: missense variant.
Genome position (GRCh38, 1-based): chr15:23,647,466, G>T on the plus strand (C>A on the coding strand, the complement: MAGEL2 is on the minus strand). VCF-style: chr15-23647466-G-T. GRCh37 (hg19) VCF-style: chr15-23892613-G-T.
Other names: short protein forms P93T.
Identifiers: ClinVar variation 2759036 (VCV002759036.3), dbSNP rs899176705, ClinGen allele CA391337547.

ClinVar aggregate classification (germline): Uncertain significance (1 of 4 stars; one submission).

Submission:

Labcorp Genetics (formerly Invitae), Labcorp
Classification: Uncertain significance. Last evaluated: 2023-09-08. Review status: criteria provided, single submitter. Criteria: Invitae Variant Classification Sherloc (09022015). Collection method: clinical testing. Allele origin: germline.
Comment: This sequence change replaces proline, which is neutral and non-polar, with threonine, which is neutral and polar, at codon 93 of the MAGEL2 protein (p.Pro93Thr). This variant is not present in population databases (gnomAD no frequency). This variant has not been reported in the literature in individuals affected with MAGEL2-related conditions. Experimental studies and prediction algorithms are not available or were not evaluated, and the functional significance of this variant is currently unknown. In summary, the available evidence is currently insufficient to determine the role of this variant in disease. Therefore, it has been classified as a Variant of Uncertain Significance.